The following is an entry in ClinVar:

NM_001365536.1(SCN9A):c.2304G>A (p.Met768Ile)

Genes: SCN1A-AS1 (SCN1A and SCN9A antisense RNA 1; plus strand), SCN9A (sodium voltage-gated channel alpha subunit 9; minus strand). Cytogenetic location: 2q24.3.
Variant type: single nucleotide variant.
Coding change: c.2304G>A on transcript NM_001365536.1 (MANE Select); coding-DNA position 2304, G replaced by A.
Protein change: p.Met768Ile; replaces methionine 768 with isoleucine.
Molecular consequence: missense variant.
Genome position (GRCh38, 1-based): chr2:166,280,396, C>T on the plus strand (G>A on the coding strand, the complement: SCN9A is on the minus strand). VCF-style: chr2-166280396-C-T. GRCh37 (hg19) VCF-style: chr2-167136906-C-T.
Other names: c.2271G>A, p.Met757Ile (NM_002977.4); short protein forms M757I, M768I.
Identifiers: ClinVar variation 254096 (VCV000254096.17), dbSNP rs201736678, ClinGen allele CA1944301.

ClinVar aggregate classification (germline): Uncertain significance. Review status: criteria provided, multiple submitters, no conflicts (2 of 4 stars). 4 submissions from 4 submitters: Uncertain significance (4). Last evaluated 2025-09-05.

Conditions:
Generalized epilepsy with febrile seizures plus, type 7 (GEFSP7). Also called: GEFS+, TYPE 7. Identifiers: Orphanet 36387, MedGen C2751778, MONDO:0013470, OMIM 613863.
Neuropathy, hereditary sensory and autonomic, type 2A (HSAN2A). Also called: HSAN IIA; ACROOSTEOLYSIS, GIACCAI TYPE; ACROOSTEOLYSIS, NEUROGENIC; MORVAN DISEASE; NEUROPATHY, CONGENITAL SENSORY; NEUROPATHY, HEREDITARY SENSORY RADICULAR, AUTOSOMAL RECESSIVE. Identifiers: Orphanet 970, MedGen C2752089, MONDO:0024309, OMIM 201300.
Inborn genetic diseases. Identifiers: MedGen C0950123, MeSH D030342.

Allele frequency attached by ClinVar (database versions not stated): gnomAD 0.00003 and 0.00004; gnomAD exomes 0.00004 and 0.00009; TOPMed 0.00005; ExAC 0.00008.
gnomAD v4.1: 135 of 1,587,750 alleles (0.0085%); highest among the groups gnomAD compares: Non-Finnish European, 0.011%; no homozygotes.

Submissions (4):

Labcorp Genetics (formerly Invitae), Labcorp
Classification: Uncertain significance for Neuropathy, hereditary sensory and autonomic, type 2A; Generalized epilepsy with febrile seizures plus, type 7. Last evaluated: 2025-09-05. Review status: criteria provided, single submitter. Criteria: Invitae Variant Classification Sherloc (09022015). Collection method: clinical testing. Allele origin: germline.
Comment: This sequence change replaces methionine, which is neutral and non-polar, with isoleucine, which is neutral and non-polar, at codon 757 of the SCN9A protein (p.Met757Ile). This variant is present in population databases (rs201736678, gnomAD 0.007%). This missense change has been observed in individual(s) with small fiber neuropathy (PMID: 30554136). ClinVar contains an entry for this variant (Variation ID: 254096). Invitae Evidence Modeling of protein sequence and biophysical properties (such as structural, functional, and spatial information, amino acid conservation, physicochemical variation, residue mobility, and thermodynamic stability) indicates that this missense variant is not expected to disrupt SCN9A protein function with a negative predictive value of 95%. In summary, the available evidence is currently insufficient to determine the role of this variant in disease. Therefore, it has been classified as a Variant of Uncertain Significance.

GeneDx
Classification: Uncertain significance. Last evaluated: 2024-08-16. Review status: criteria provided, single submitter. Criteria: GeneDx Variant Classification Process June 2021. Collection method: clinical testing. Allele origin: germline. Affected: yes.
Comment: In silico analysis supports that this missense variant has a deleterious effect on protein structure/function; Observed in individuals with small fiber neuropathy (PMID: 30554136); This variant is associated with the following publications: (PMID: 30554136)

Mayo Clinic Laboratories, Mayo Clinic
Classification: Uncertain significance. Last evaluated: 2020-07-30. Review status: criteria provided, single submitter. Criteria: ACMG Guidelines, 2015. Collection method: clinical testing. Allele origin: germline. Observed: 1 variant allele.

Ambry Genetics
Classification: Uncertain significance for Inborn genetic diseases. Last evaluated: 2019-12-12. Review status: criteria provided, single submitter. Criteria: Ambry Variant Classification Scheme 2023. Collection method: clinical testing. Allele origin: germline.
Comment: The p.M757I variant (also known as c.2271G>A), located in coding exon 13 of the SCN9A gene, results from a G to A substitution at nucleotide position 2271. The methionine at codon 757 is replaced by isoleucine, an amino acid with highly similar properties. This amino acid position is highly conserved in available vertebrate species. In addition, this alteration is predicted to be deleterious by in silico analysis. Since supporting evidence is limited at this time, the clinical significance of this alteration remains unclear.

Literature cited by the submitters: PubMed 30554136 (cited by Labcorp Genetics (formerly Invitae), Labcorp).